The following is an entry in ClinVar:

NM_001283009.2(RTEL1):c.1957G>C (p.Asp653His)

Genes: RTEL1 (regulator of telomere elongation helicase 1; plus strand), RTEL1-TNFRSF6B (RTEL1-TNFRSF6B readthrough (NMD candidate); plus strand). Cytogenetic location: 20q13.33.
Variant type: single nucleotide variant.
Coding change: c.1957G>C on transcript NM_001283009.2 (MANE Select); coding-DNA position 1957, G replaced by C.
Protein change: p.Asp653His; replaces aspartic acid 653 with histidine.
Molecular consequence: missense variant. On other transcripts: non-coding transcript variant (1).
Genome position (GRCh38, 1-based): chr20:63,689,580, G>C. VCF-style: chr20-63689580-G-C. GRCh37 (hg19) VCF-style: chr20-62320933-G-C.
Other names: c.1288G>C, p.Asp430His (NM_001283010.1); c.1957G>C, p.Asp653His (NM_016434.4); c.2029G>C, p.Asp677His (NM_032957.5); short protein forms D430H, D653H, D677H.
Identifiers: ClinVar variation 3760553 (VCV003760553.4).
Genomic context (GRCh38, chr20:63,689,580, plus strand): 5'-TTCTCAGACACGAATGGCCGTGGTGTGATTGTCACGGGCCTCCCGTACCCCCCACGCATG[G>C]ACCCCCGGGTTGTCCTCAAGATGCAGTTCCTGGATGAGATGAAGGGCCAGGGTGGGGCTG-3'
Protein context (NP_001269938.1, residues 643-663): VTGLPYPPRM[Asp653His]PRVVLKMQFL

ClinVar aggregate classification (germline): Uncertain significance. Review status: criteria provided, multiple submitters, no conflicts (2 of 4 stars). 3 submissions from 3 submitters: Uncertain significance (3). Last evaluated 2026-07-05.

Conditions:
Inborn genetic diseases. Identifiers: MedGen C0950123, MeSH D030342.
Dyskeratosis congenita, autosomal recessive 5 (DKCB5). Identifiers: MedGen C3554656, MONDO:0014076, OMIM 615190.
Pulmonary fibrosis and/or bone marrow failure, Telomere-related, 3. Also called: PULMONARY FIBROSIS AND/OR BONE MARROW FAILURE SYNDROME, TELOMERE-RELATED, 3. Identifiers: Orphanet 2032, MedGen C4225346, MONDO:0014613, OMIM 616373.

gnomAD v4.1: 4 of 1,612,280 alleles (0.00025%); highest among the groups gnomAD compares: Non-Finnish European, 0.00034%; no homozygotes.

Submissions (3):

Ambry Genetics
Classification: Uncertain significance for Inborn genetic diseases. Last evaluated: 2026-07-05. Review status: criteria provided, single submitter. Criteria: Ambry Variant Classification Scheme 2023. Collection method: clinical testing. Allele origin: germline.
Comment: The p.D653H variant (also known as c.1957G>C), located in coding exon 22 of the RTEL1 gene, results from a G to C substitution at nucleotide position 1957. The aspartic acid at codon 653 is replaced by histidine, an amino acid with similar properties. This amino acid position is conserved. In addition, this alteration is predicted to be deleterious by in silico analysis. Based on the available evidence, the clinical significance of this variant remains unclear.

Labcorp Genetics (formerly Invitae), Labcorp
Classification: Uncertain significance for Dyskeratosis congenita, autosomal recessive 5; Pulmonary fibrosis and/or bone marrow failure, Telomere-related, 3. Last evaluated: 2024-03-16. Review status: criteria provided, single submitter. Criteria: Invitae Variant Classification Sherloc (09022015). Collection method: clinical testing. Allele origin: germline.
Comment: This sequence change replaces aspartic acid, which is acidic and polar, with histidine, which is basic and polar, at codon 653 of the RTEL1 protein (p.Asp653His). This variant is present in population databases (no rsID available, gnomAD 0.007%). This variant has not been reported in the literature in individuals affected with RTEL1-related conditions. An algorithm developed to predict the effect of missense changes on protein structure and function (PolyPhen-2) suggests that this variant is likely to be disruptive. In summary, the available evidence is currently insufficient to determine the role of this variant in disease. Therefore, it has been classified as a Variant of Uncertain Significance.

Blueprint Genetics
Classification: Uncertain significance. Last evaluated: 2022-09-28. Review status: criteria provided, single submitter. Criteria: ACMG Guidelines, 2015. Collection method: clinical testing. Allele origin: germline.